The following is an entry in ClinVar:

NM_001374353.1(GLI2):c.3418C>T (p.Leu1140=)

Gene: GLI2 (GLI family zinc finger 2; plus strand). Cytogenetic location: 2q14.2.
Variant type: single nucleotide variant.
Coding change: c.3418C>T on transcript NM_001374353.1 (MANE Select); coding-DNA position 3418, C replaced by T.
Protein change: p.Leu1140=; no amino-acid change (leucine 1140 retained).
Molecular consequence: synonymous variant.
Genome position (GRCh38, 1-based): chr2:120,989,383, C>T. VCF-style: chr2-120989383-C-T. GRCh37 (hg19) VCF-style: chr2-121746959-C-T.
Other names: c.3469C>T, p.Leu1157= (NM_001371271.1, NM_005270.5); c.3043C>T, p.Leu1015= (NM_001374354.1).
Identifiers: ClinVar variation 194224 (VCV000194224.44), dbSNP rs141988240, ClinGen allele CA240086.

ClinVar aggregate classification (germline): Conflicting classifications of pathogenicity. Review status: criteria provided, conflicting classifications (1 of 4 stars). 5 submissions from 5 submitters: Uncertain significance (1); Likely benign (4). Last evaluated 2026-06-01.

Conditions:
Holoprosencephaly 9 (HPE9). Also called: HOLOPROSENCEPHALY WITH MICROPHTHALMIA AND FIRST BRANCHIAL ARCH ANOMALIES; PITUITARY ANOMALIES WITH HOLOPROSENCEPHALY-LIKE FEATURES. Identifiers: Orphanet 2162, MedGen C1835819, MONDO:0012563, OMIM 610829.
Postaxial polydactyly-anterior pituitary anomalies-facial dysmorphism syndrome. Also called: Culler-Jones syndrome. Identifiers: Orphanet 420584, MedGen C4014479, MONDO:0014369, OMIM 615849.

Allele frequency attached by ClinVar (database versions not stated): ESP Exome Variant Server 0.00023; TOPMed 0.00026; ExAC 0.00039.
gnomAD v4.1: 341 of 1,612,908 alleles (0.021%); highest among the groups gnomAD compares: Non-Finnish European, 0.023%; no homozygotes.

Submissions (5):

CeGaT Center for Human Genetics Tuebingen
Classification: Likely benign. Last evaluated: 2026-06-01. Review status: criteria provided, single submitter. Criteria: CeGaT Center For Human Genetics Tuebingen Variant Classification Criteria Version 2. Collection method: clinical testing. Allele origin: germline. Affected: yes. Observed: 6 variant alleles.
Comment: GLI2: BP4, BP7

Labcorp Genetics (formerly Invitae), Labcorp
Classification: Likely benign for Postaxial polydactyly-anterior pituitary anomalies-facial dysmorphism syndrome; Holoprosencephaly 9. Last evaluated: 2025-06-23. Review status: criteria provided, single submitter. Criteria: Invitae Variant Classification Sherloc (09022015). Collection method: clinical testing. Allele origin: germline.

Blueprint Genetics
Classification: Likely benign. Last evaluated: 2024-11-23. Review status: criteria provided, single submitter. Criteria: ACMG Guidelines, 2015. Collection method: clinical testing. Allele origin: germline.

Illumina Laboratory Services, Illumina
Classification: Likely benign for Holoprosencephaly 9. Last evaluated: 2018-01-12. Review status: criteria provided, single submitter. Criteria: ICSL Variant Classification Criteria 13 December 2019. Collection method: clinical testing. Allele origin: germline.
Comment: This variant was observed in the ICSL laboratory as part of a predisposition screen in an ostensibly healthy population. It had not been previously curated by ICSL or reported in the Human Gene Mutation Database (HGMD: prior to June 1st, 2018), and was therefore a candidate for classification through an automated scoring system. Utilizing variant allele frequency, disease prevalence and penetrance estimates, and inheritance mode, an automated score was calculated to assess if this variant is too frequent to cause the disease. Based on the score and internal cut-off values, a variant classified as likely benign is not then subjected to further curation. The score for this variant resulted in a classification of likely benign for this disease.

Eurofins Ntd Llc (ga)
Classification: Uncertain significance. Last evaluated: 2015-02-17. Review status: criteria provided, single submitter. Criteria: EGL Classification Definitions 2015. Collection method: clinical testing. Allele origin: germline. Observed: 1 variant allele, 1 heterozygote.